The following is an entry in ClinVar:

NM_001386298.1(CIC):c.466C>T (p.Pro156Ser)

Gene: CIC (capicua transcriptional repressor; plus strand). Cytogenetic location: 19q13.2.
Variant type: single nucleotide variant.
Coding change: c.466C>T on transcript NM_001386298.1 (MANE Select); coding-DNA position 466, C replaced by T.
Protein change: p.Pro156Ser; replaces proline 156 with serine.
Molecular consequence: missense variant.
Genome position (GRCh38, 1-based): chr19:42,272,249, C>T. VCF-style: chr19-42272249-C-T. GRCh37 (hg19) VCF-style: chr19-42776401-C-T.
Other names: c.466C>T, p.Pro156Ser (NM_001304815.2, NM_001379480.1, NM_001379482.1 and 6 more transcripts); short protein forms P156S.
Identifiers: ClinVar variation 4682054 (VCV004682054.5).

ClinVar aggregate classification (germline): Uncertain significance (1 of 4 stars; one submission).

Submission:

CeGaT Center for Human Genetics Tuebingen
Classification: Uncertain significance. Last evaluated: 2025-12-01. Review status: criteria provided, single submitter. Criteria: CeGaT Center For Human Genetics Tuebingen Variant Classification Criteria Version 2. Collection method: clinical testing. Allele origin: germline. Affected: yes. Observed: 1 variant allele.
Comment: CIC: PM2